The following is an entry in ClinVar:

ClinVar aggregate classification (germline): Uncertain significance. Review status: criteria provided, multiple submitters, no conflicts (2 of 4 stars). 7 submissions from 5 submitters: Uncertain significance (6). 1 of the submissions does not count toward it. Last evaluated 2025-01-16.

Conditions:
Inborn genetic diseases. Identifiers: MedGen C0950123, MeSH D030342.
Autosomal recessive nonsyndromic hearing loss 4 (DFNB4). Also called: FOXI1-Related Pendred Syndrome; KCNJ10-Related Pendred Syndrome; NEUROSENSORY NONSYNDROMIC RECESSIVE DEAFNESS 4; Deafness, autosomal recessive 4, with enlarged vestibular aqueduct; Enlarged vestibular aqueduct, digenic; DEAFNESS, AUTOSOMAL RECESSIVE 4, WITH ENLARGED VESTIBULAR AQUEDUCT, DIGENIC. Identifiers: Orphanet 90636, MedGen C3538946, MONDO:0010933, OMIM 600791.
Pendred syndrome (PDS). Also called: THYROID DYSHORMONOGENESIS 2B; THYROID HORMONOGENESIS, GENETIC DEFECT IN, 2B; Pendred's syndrome; DEAFNESS WITH GOITER; GOITER-DEAFNESS SYNDROME; HYPOTHYROIDISM, CONGENITAL, DUE TO DYSHORMONOGENESIS, 2B. Identifiers: Orphanet 705, MedGen C0271829, MONDO:0010134, OMIM 274600.

Allele frequency attached by ClinVar (database versions not stated): gnomAD exomes below 0.00001 and 0.00001; ExAC 0.00001; gnomAD 0.00001; TOPMed 0.00002; ESP Exome Variant Server 0.00015.
gnomAD v4.1: 10 of 1,612,928 alleles (0.00062%); highest among the groups gnomAD compares: Non-Finnish European, 0.00085%; no homozygotes.

Submissions (7):

Ambry Genetics
Classification: Uncertain significance for Inborn genetic diseases. Last evaluated: 2025-01-16. Review status: criteria provided, single submitter. Criteria: Ambry Variant Classification Scheme 2023. Collection method: clinical testing. Allele origin: germline.

Genome-Nilou Lab
Classification: Uncertain significance for Autosomal recessive nonsyndromic hearing loss 4. Last evaluated: 2021-09-05. Review status: criteria provided, single submitter. Criteria: ACMG Guidelines, 2015. Collection method: clinical testing. Allele origin: germline. Affected: no.

Genome-Nilou Lab
Classification: Uncertain significance for Pendred syndrome. Last evaluated: 2021-09-05. Review status: criteria provided, single submitter. Criteria: ACMG Guidelines, 2015. Collection method: clinical testing. Allele origin: germline. Affected: no.

Illumina Laboratory Services, Illumina
Classification: Uncertain significance for Autosomal recessive nonsyndromic hearing loss 4. Last evaluated: 2018-01-13. Review status: criteria provided, single submitter. Criteria: ICSL Variant Classification Criteria 13 December 2019. Collection method: clinical testing. Allele origin: germline.

Illumina Laboratory Services, Illumina
Classification: Uncertain significance for Pendred syndrome. Last evaluated: 2018-01-13. Review status: criteria provided, single submitter. Criteria: ICSL Variant Classification Criteria 13 December 2019. Collection method: clinical testing. Allele origin: germline.

Laboratory for Molecular Medicine, Mass General Brigham Personalized Medicine
Classification: Uncertain significance. Last evaluated: 2016-03-22. Review status: criteria provided, single submitter. Criteria: LMM Criteria. Collection method: clinical testing. Allele origin: germline. Observed: 1 variant allele.
Comment: The p.Gln637Lys variant in SLC26A4 has not been previously reported in individua ls with hearing loss. This variant has been identified in 1/66690 European chrom osomes by the Exome Aggregation Consortium (ExAC ; dbSNP rs375645779). Computational prediction tools and conservation analyses s uggest that the p.Gln637Lys variant may not impact the protein, though this info rmation is not predictive enough to rule out pathogenicity. In summary, the clin ical significance of the p.Gln637Lys variant is uncertain.

Natera, Inc.
Classification: Uncertain significance for Pendred syndrome. Last evaluated: 2021-10-05. Review status: no assertion criteria provided. Collection method: clinical testing. Allele origin: germline. Not counted in ClinVar's aggregate classification.

NM_000441.2(SLC26A4):c.1909C>A (p.Gln637Lys)

Gene: SLC26A4 (solute carrier family 26 member 4; plus strand). Cytogenetic location: 7q22.3.
Variant type: single nucleotide variant.
Coding change: c.1909C>A on transcript NM_000441.2 (MANE Select); coding-DNA position 1909, C replaced by A.
Protein change: p.Gln637Lys; replaces glutamine 637 with lysine.
Molecular consequence: missense variant.
Genome position (GRCh38, 1-based): chr7:107,701,932, C>A. VCF-style: chr7-107701932-C-A. GRCh37 (hg19) VCF-style: chr7-107342377-C-A.
Other names: short protein forms Q637K.
Identifiers: ClinVar variation 229255 (VCV000229255.16), dbSNP rs375645779, ClinGen allele CA4432982.
Genomic context (GRCh38, chr7:107,701,932, plus strand): 5'-CCTGATGAGGATATTGAAGATCTGGAGGAACTTGATATCCCAACCAAGGAAATAGAGATT[C>A]AAGTGGATTGGAACTCTGAGCTTCCAGTCAAAGTGAACGTTCCCAAAGTGCCAATCCATA-3'
Protein context (NP_000432.1, residues 627-647): LDIPTKEIEI[Gln637Lys]VDWNSELPVK